The following is an entry in ClinVar:

NM_020401.4(NUP107):c.1744_1746del (p.Arg582del)

Gene: NUP107 (nucleoporin 107; plus strand). Cytogenetic location: 12q15.
Variant type: Deletion.
Coding change: c.1744_1746del on transcript NM_020401.4 (MANE Select); coding-DNA positions 1744 to 1746, 3 bases deleted (AGA; older notation c.1744_1746delAGA).
Protein change: p.Arg582del; deletes arginine 582.
Molecular consequence: inframe deletion.
Genome position (GRCh38, 1-based): chr12:68,731,119-68,731,121, AGA deleted; deleting any 3 consecutive bases within chr12:68,731,118-68,731,121 gives the same sequence; the c. name uses the placement nearest the transcript's 3' end. VCF-style (leftmost placement, unchanged base first): chr12-68731117-TAAG-T. GRCh37 (hg19) VCF-style: chr12-69124897-TAAG-T.
Other names: p.Arg582del; c.1657_1659del, p.Arg553del (NM_001330192.2); short protein forms R553del, R582del.
Identifiers: ClinVar variation 4541734 (VCV004541734.1).

ClinVar aggregate classification (germline): Uncertain significance (1 of 4 stars; one submission).

Submission:

Mayo Clinic Laboratories, Mayo Clinic
Classification: Uncertain significance. Last evaluated: 2025-04-07. Review status: criteria provided, single submitter. Criteria: ACMG Guidelines, 2015. Collection method: clinical testing. Allele origin: germline. Observed: 1 variant allele.
Comment: PM4